The following is an entry in ClinVar:

NM_001159699.2(FHL1):c.223C>A (p.Arg75Ser)

Gene: FHL1 (four and a half LIM domains 1; plus strand). Cytogenetic location: Xq26.3.
Variant type: single nucleotide variant.
Coding change: c.223C>A on transcript NM_001159699.2 (MANE Select); coding-DNA position 223, C replaced by A.
Protein change: p.Arg75Ser; replaces arginine 75 with serine.
Molecular consequence: missense variant. On other transcripts: non-coding transcript variant (1).
Genome position (GRCh38, 1-based): chrX:136,207,034, C>A. VCF-style: chrX-136207034-C-A. GRCh37 (hg19) VCF-style: chrX-135289193-C-A.
Other names: c.175C>A, p.Arg59Ser (NM_001159700.2, NM_001159702.3, NM_001159703.2 and 9 more transcripts); c.262C>A, p.Arg88Ser (NM_001159701.2); c.223C>A, p.Arg75Ser (NM_001330659.2); short protein forms R59S, R75S, R88S.
Identifiers: ClinVar variation 3278822 (VCV003278822.2).

ClinVar aggregate classification (germline): Uncertain significance. Review status: criteria provided, multiple submitters, no conflicts (2 of 4 stars). 2 submissions from 2 submitters: Uncertain significance (2). Last evaluated 2025-09-12.

Conditions:
Cardiovascular phenotype. Identifiers: MedGen CN230736.
X-linked myopathy with postural muscle atrophy. Also called: FHL1-Related Emery-Dreifuss Muscular Dystrophy, X-Linked. Identifiers: Orphanet 178461, MedGen C2678055, MONDO:0010401, OMIM 300696.

gnomAD v4.1: 1 of 1,209,579 alleles (0.000083%); highest among the groups gnomAD compares: East Asian, 0.003%; no homozygotes.

Submissions (2):

Labcorp Genetics (formerly Invitae), Labcorp
Classification: Uncertain significance for X-linked myopathy with postural muscle atrophy. Last evaluated: 2025-09-12. Review status: criteria provided, single submitter. Criteria: Invitae Variant Classification Sherloc (09022015). Collection method: clinical testing. Allele origin: germline.
Comment: This sequence change replaces arginine, which is basic and polar, with serine, which is neutral and polar, at codon 59 of the FHL1 protein (p.Arg59Ser). This variant is present in population databases (no rsID available, gnomAD 0.008%). This variant has not been reported in the literature in individuals affected with FHL1-related conditions. ClinVar contains an entry for this variant (Variation ID: 3278822). An algorithm developed to predict the effect of missense changes on protein structure and function (PolyPhen-2) suggests that this variant is likely to be disruptive. In summary, the available evidence is currently insufficient to determine the role of this variant in disease. Therefore, it has been classified as a Variant of Uncertain Significance.

Ambry Genetics
Classification: Uncertain significance for Cardiovascular phenotype. Last evaluated: 2024-05-06. Review status: criteria provided, single submitter. Criteria: Ambry Variant Classification Scheme 2023. Collection method: clinical testing. Allele origin: germline.
Comment: The p.R59S variant (also known as c.175C>A), located in coding exon 2 of the FHL1 gene, results from a C to A substitution at nucleotide position 175. The arginine at codon 59 is replaced by serine, an amino acid with dissimilar properties. This amino acid position is highly conserved in available vertebrate species. In addition, this alteration is predicted to be deleterious by in silico analysis. Based on data from gnomAD, the A allele has an overall frequency of <0.01% (1/21673) total alleles studied, with 1 hemizygote(s) observed. The highest observed frequency was 0.10% (1/975) of East Asian alleles. Based on the available evidence, the clinical significance of this variant remains unclear.